The following is an entry in ClinVar:

ClinVar aggregate classification (germline): Uncertain significance (1 of 4 stars; one submission).

Conditions:
Cardiovascular phenotype. Identifiers: MedGen CN230736.

gnomAD v4.1: 4 of 1,614,112 alleles (0.00025%); highest among the groups gnomAD compares: Non-Finnish European, 0.00034%; no homozygotes.

Submission:

Ambry Genetics
Classification: Uncertain significance for Cardiovascular phenotype. Last evaluated: 2026-03-15. Review status: criteria provided, single submitter. Criteria: Ambry Variant Classification Scheme 2023. Collection method: clinical testing. Allele origin: germline.
Comment: The p.E5K variant (also known as c.13G>A), located in coding exon 1 of the AKAP9 gene, results from a G to A substitution at nucleotide position 13. The glutamic acid at codon 5 is replaced by lysine, an amino acid with similar properties. This amino acid position is conserved. In addition, this alteration is predicted to be tolerated by in silico analysis. Based on the available evidence, the clinical significance of this variant remains unclear.

NM_005751.5(AKAP9):c.13G>A (p.Glu5Lys)

Genes: AKAP9 (A-kinase anchoring protein 9; plus strand), LOC129998788 (ATAC-STARR-seq lymphoblastoid active region 26256; plus strand). Cytogenetic location: 7q21.2.
Variant type: single nucleotide variant.
Coding change: c.13G>A on transcript NM_005751.5 (MANE Select); coding-DNA position 13, G replaced by A.
Protein change: p.Glu5Lys; replaces glutamic acid 5 with lysine.
Molecular consequence: missense variant.
Genome position (GRCh38, 1-based): chr7:91,941,112, G>A. VCF-style: chr7-91941112-G-A. GRCh37 (hg19) VCF-style: chr7-91570426-G-A.
Other names: c.13G>A, p.Glu5Lys (NM_147185.3); short protein forms E5K.
Identifiers: ClinVar variation 4868874 (VCV004868874.1).